The following is an entry in ClinVar:

ClinVar aggregate classification (germline): Likely pathogenic (1 of 4 stars; one submission).

Conditions:
Joubert syndrome 33. Identifiers: MedGen C4540389, MONDO:0033311, OMIM 617767.

gnomAD v4.1: 2 of 1,600,898 alleles (0.00012%); highest among the groups gnomAD compares: Non-Finnish European, 0.00017%; no homozygotes.

Submission:

Juno Genomics, Hangzhou Juno Genomics, Inc
Classification: Likely pathogenic for Joubert syndrome 33. Review status: criteria provided, single submitter. Criteria: ACMG Guidelines, 2015. Collection method: clinical testing. Allele origin: germline.
Comment: Null variant in a gene where loss of function (LOF) is a known mechanism of disease.;Absent from controls (or at extremely low frequency if recessive) in Genome Aggregation Database.

NM_006346.4(PIBF1):c.22G>T (p.Glu8Ter)

Gene: PIBF1 (progesterone immunomodulatory binding factor 1; plus strand). Cytogenetic location: 13q21.33.
Variant type: single nucleotide variant.
Coding change: c.22G>T on transcript NM_006346.4 (MANE Select); coding-DNA position 22, G replaced by T.
Protein change: p.Glu8Ter; replaces glutamic acid 8 with a stop codon.
Molecular consequence: nonsense. On other transcripts: non-coding transcript variant (2).
Genome position (GRCh38, 1-based): chr13:72,783,491, G>T. VCF-style: chr13-72783491-G-T. GRCh37 (hg19) VCF-style: chr13-73357629-G-T.
Other names: c.22G>T, p.Glu8Ter (NM_001349655.2); short protein forms E8*.
Identifiers: ClinVar variation 5005272 (VCV005005272.2).